The following is an entry in ClinVar:

NM_004629.2(FANCG):c.989C>G (p.Pro330Arg)

Gene: FANCG (FA complementation group G; minus strand). Cytogenetic location: 9p13.3.
Variant type: single nucleotide variant.
Coding change: c.989C>G on transcript NM_004629.2 (MANE Select); coding-DNA position 989, C replaced by G.
Protein change: p.Pro330Arg; replaces proline 330 with arginine.
Molecular consequence: missense variant.
Genome position (GRCh38, 1-based): chr9:35,076,519, G>C on the plus strand (C>G on the coding strand, the complement: FANCG is on the minus strand). VCF-style: chr9-35076519-G-C. GRCh37 (hg19) VCF-style: chr9-35076516-G-C.
Other names: short protein forms P330R.
Identifiers: ClinVar variation 4022531 (VCV004022531.1).

ClinVar aggregate classification (germline): Uncertain significance (1 of 4 stars; one submission).

Conditions:
Inborn genetic diseases. Identifiers: MedGen C0950123, MeSH D030342.

Submission:

Ambry Genetics
Classification: Uncertain significance for Inborn genetic diseases. Last evaluated: 2025-05-24. Review status: criteria provided, single submitter. Criteria: Ambry Variant Classification Scheme 2023. Collection method: clinical testing. Allele origin: germline.
Comment: The p.P330R variant (also known as c.989C>G), located in coding exon 8 of the FANCG gene, results from a C to G substitution at nucleotide position 989. The proline at codon 330 is replaced by arginine, an amino acid with dissimilar properties. This amino acid position is conserved. In addition, this alteration is predicted to be tolerated by in silico analysis. Based on the available evidence, the clinical significance of this variant remains unclear.